The following is an entry in ClinVar:

NM_206933.4(USH2A):c.1040A>G (p.Asp347Gly)

Gene: USH2A (usherin; minus strand). Cytogenetic location: 1q41.
Variant type: single nucleotide variant.
Coding change: c.1040A>G on transcript NM_206933.4 (MANE Select); coding-DNA position 1040, A replaced by G.
Protein change: p.Asp347Gly; replaces aspartic acid 347 with glycine.
Molecular consequence: missense variant.
Genome position (GRCh38, 1-based): chr1:216,325,408, T>C on the plus strand (A>G on the coding strand, the complement: USH2A is on the minus strand). VCF-style: chr1-216325408-T-C. GRCh37 (hg19) VCF-style: chr1-216498750-T-C.
Other names: c.1040A>G, p.Asp347Gly (NM_007123.6); short protein forms D347G.
Identifiers: ClinVar variation 554336 (VCV000554336.10), dbSNP rs762384558, ClinGen allele CA1396616.
Genomic context (GRCh38, chr1:216,325,408, plus strand): 5'-TGATTAAGCTGTGTAATGTTTGTAAACACATTTGAAACCCATGAAGTACCAACATCATTA[T>C]CATTGACAAAAGAGAGAGGATGGGCTTCAGGATTCAACCGTGACACTCTATTATCAGCTG-3'
Protein context (NP_996816.3, residues 337-357): PEAHPLSFVN[Asp347Gly]NDVGTSWVSN

ClinVar aggregate classification (germline): Pathogenic/Likely pathogenic. Review status: criteria provided, multiple submitters, no conflicts (2 of 4 stars). 5 submissions from 5 submitters: Pathogenic (1); Likely pathogenic (3). 1 of the submissions does not count toward it. Last evaluated 2024-06-14.

Conditions:
Usher syndrome type 2A. Also called: RETINAL DISEASE IN USHER SYNDROME TYPE IIA, MODIFIER OF; USHER SYNDROME, TYPE IIA. Identifiers: Orphanet 231178, Orphanet 886, MedGen C1848634, MONDO:0010169, OMIM 276901.
Retinitis pigmentosa 39 (RP39). Identifiers: Orphanet 791, MedGen C3151138, MONDO:0013436, OMIM 613809.
USH2A-related disorder. Also called: USH2A-related disorders; USH2A-related condition. Identifiers: MedGen CN239332.

Allele frequency attached by ClinVar (database versions not stated): gnomAD exomes below 0.00001; TOPMed below 0.00001; ExAC 0.00001; gnomAD 0.00001.

Submissions (5):

Fulgent Genetics
Classification: Likely pathogenic for Usher syndrome type 2A; Retinitis pigmentosa 39. Last evaluated: 2024-06-14. Review status: criteria provided, single submitter. Criteria: ACMG Guidelines, 2015. Collection method: clinical testing. Allele origin: germline.

Blueprint Genetics
Classification: Likely pathogenic for USH2A-related disorders. Last evaluated: 2024-06-06. Review status: criteria provided, single submitter. Criteria: ACMG Guidelines, 2015. Collection method: clinical testing. Allele origin: germline. Affected: yes. Observed: 1 variant allele.

Baylor Genetics
Classification: Likely pathogenic for Retinitis pigmentosa 39. Last evaluated: 2024-01-05. Review status: criteria provided, single submitter. Criteria: ACMG Guidelines, 2015. Collection method: clinical testing. Allele origin: unknown.

Labcorp Genetics (formerly Invitae), Labcorp
Classification: Pathogenic. Last evaluated: 2023-10-17. Review status: criteria provided, single submitter. Criteria: Invitae Variant Classification Sherloc (09022015). Collection method: clinical testing. Allele origin: germline.
Comment: This sequence change replaces aspartic acid, which is acidic and polar, with glycine, which is neutral and non-polar, at codon 347 of the USH2A protein (p.Asp347Gly). This variant is present in population databases (rs762384558, gnomAD 0.0009%). This missense change has been observed in individual(s) with Usher syndrome (PMID: 25558175, 33576794). In at least one individual the data is consistent with being in trans (on the opposite chromosome) from a pathogenic variant. ClinVar contains an entry for this variant (Variation ID: 554336). Advanced modeling of protein sequence and biophysical properties (such as structural, functional, and spatial information, amino acid conservation, physicochemical variation, residue mobility, and thermodynamic stability) performed at Invitae indicates that this missense variant is expected to disrupt USH2A protein function. Algorithms developed to predict the effect of sequence changes on RNA splicing suggest that this variant may disrupt the consensus splice site. For these reasons, this variant has been classified as Pathogenic.

Counsyl
Classification: Uncertain significance for Usher syndrome type 2A; Retinitis pigmentosa 39. Last evaluated: 2017-10-16. Review status: no assertion criteria provided. Collection method: clinical testing. Allele origin: unknown. Not counted in ClinVar's aggregate classification.

Literature cited by the submitters: PubMed 25558175 (cited by Labcorp Genetics (formerly Invitae), Labcorp and Counsyl); PubMed 33576794 (cited by Labcorp Genetics (formerly Invitae), Labcorp).